The following is an entry in ClinVar:

NM_001913.5(CUX1):c.1672C>A (p.Pro558Thr)

Gene: CUX1 (cut like homeobox 1; plus strand). Cytogenetic location: 7q22.1.
Variant type: single nucleotide variant.
Coding change: c.1672C>A on transcript NM_001913.5 (MANE Plus Clinical); coding-DNA position 1672, C replaced by A.
Protein change: p.Pro558Thr; replaces proline 558 with threonine.
Molecular consequence: missense variant.
Genome position (GRCh38, 1-based): chr7:102,278,057, C>A. VCF-style: chr7-102278057-C-A. GRCh37 (hg19) VCF-style: chr7-101921328-C-A.
Other names: c.1624C>A, p.Pro542Thr (NM_001202544.3); c.1534C>A, p.Pro512Thr (NM_001202545.3); c.1555C>A, p.Pro519Thr (NM_001202546.3); c.1666C>A, p.Pro556Thr (NM_181500.4); short protein forms P512T, P519T, P542T, P556T, P558T.
Identifiers: ClinVar variation 3362037 (VCV003362037.1).

ClinVar aggregate classification (germline): Uncertain significance (1 of 4 stars; one submission).

Submission:

GeneDx
Classification: Uncertain significance. Last evaluated: 2023-05-26. Review status: criteria provided, single submitter. Criteria: GeneDx Variant Classification Process June 2021. Collection method: clinical testing. Allele origin: germline. Affected: yes.
Comment: Not observed at significant frequency in large population cohorts (gnomAD); In silico analysis supports that this missense variant has a deleterious effect on protein structure/function; Has not been previously published as pathogenic or benign to our knowledge; Reported using an alternate transcript of the gene